The following is an entry in ClinVar:

ClinVar aggregate classification (germline): Likely benign (0 of 4 stars; one submission).

Conditions:
HOXB6-related disorder. Also called: HOXB6-related condition.

gnomAD v4.1: 1 of 1,601,688 alleles (0.000062%); highest among the groups gnomAD compares: Non-Finnish European, 0.000085%; no homozygotes.

Submission:

PreventionGenetics, part of Exact Sciences
Classification: Likely benign for HOXB6-related condition. Last evaluated: 2022-06-21. Review status: no assertion criteria provided. Collection method: clinical testing. Allele origin: germline.
Comment: This variant is classified as likely benign based on ACMG/AMP sequence variant interpretation guidelines (Richards et al. 2015 PMID: 25741868, with internal and published modifications).

NM_018952.5(HOXB6):c.312G>A (p.Arg104=)

Genes: HOXB-AS3 (HOXB cluster antisense RNA 3; plus strand), HOXB6 (homeobox B6; minus strand). Cytogenetic location: 17q21.32.
Variant type: single nucleotide variant.
Coding change: c.312G>A on transcript NM_018952.5 (MANE Select); coding-DNA position 312, G replaced by A.
Protein change: p.Arg104=; no amino-acid change (arginine 104 retained).
Molecular consequence: synonymous variant.
Genome position (GRCh38, 1-based): chr17:48,597,839, C>T on the plus strand (G>A on the coding strand, the complement: HOXB6 is on the minus strand). VCF-style: chr17-48597839-C-T. GRCh37 (hg19) VCF-style: chr17-46675201-C-T.
Other names: c.312G>A, p.Arg104= (NM_001369397.2).
Identifiers: ClinVar variation 3029221 (VCV003029221.2), dbSNP rs2509373185, ClinGen allele CA500485072.
Genomic context (GRCh38, chr17:48,597,839, plus strand): 5'-GGAGCACTTCTGCTCTTCTGTCTCGCCGAACACGCTCTTGTCCTGCGCGCAGTCCGACTT[C>T]CGCGGCTCGGGGTGGAACGGGGGCTGCTCGTCGGCGCCGGAGAGTGCGCAGGCCGACTCT-3'
Protein context (NP_061825.2, residues 94-114): DEQPPFHPEP[Arg104=]KSDCAQDKSV